The following is an entry in ClinVar:

NM_001845.6(COL4A1):c.4150+3G>A

Gene: COL4A1 (collagen type IV alpha 1 chain; minus strand). Cytogenetic location: 13q34.
Variant type: single nucleotide variant.
Coding change: c.4150+3G>A on transcript NM_001845.6 (MANE Select); 3 bases into the intron after coding-DNA position 4150, G replaced by A.
Molecular consequence: intron variant.
Genome position (GRCh38, 1-based): chr13:110,164,859, C>T on the plus strand (G>A on the coding strand, the complement: COL4A1 is on the minus strand). VCF-style: chr13-110164859-C-T. GRCh37 (hg19) VCF-style: chr13-110817206-C-T.
Identifiers: ClinVar variation 311027 (VCV000311027.48), dbSNP rs545498227, ClinGen allele CA7047013.

ClinVar aggregate classification (germline): Conflicting classifications of pathogenicity. Review status: criteria provided, conflicting classifications (1 of 4 stars). 5 submissions from 4 submitters: Uncertain significance (1); Benign (2); Likely benign (2). Last evaluated 2026-01-22.

Conditions:
Brain small vessel disease 1 with or without ocular anomalies (BSVD1). Also called: BRAIN SMALL VESSEL DISEASE WITH HEMORRHAGE; PORENCEPHALY, TYPE 1, AUTOSOMAL DOMINANT; GOULD SYNDROME 1; Brain small vessel disease with or without ocular anomalies. Identifiers: Orphanet 2940, Orphanet 36383, Orphanet 99810, MedGen C4755307, MONDO:0008289, OMIM 175780.
Autosomal dominant familial hematuria-retinal arteriolar tortuosity-contractures syndrome. Also called: Hereditary Angiopathy with Nephropathy, Aneurysms, and Muscle Cramps (HANAC) Syndrome; Angiopathy, hereditary, with nephropathy, aneurysms, and muscle cramps. Identifiers: Orphanet 73229, MedGen C2673195, MONDO:0012726, OMIM 611773.

Allele frequency attached by ClinVar (database versions not stated): gnomAD exomes 0.00005 and 0.00007; ExAC 0.00006; TOPMed 0.00007; gnomAD 0.00009 and 0.00010; 1000 Genomes Project 30x 0.00016; 1000 Genomes Project 0.00020.
gnomAD v4.1: 85 of 1,612,882 alleles (0.0053%); highest among the groups gnomAD compares: South Asian, 0.014%; no homozygotes.

Submissions (5):

Labcorp Genetics (formerly Invitae), Labcorp
Classification: Uncertain significance. Last evaluated: 2026-01-22. Review status: criteria provided, single submitter. Criteria: Invitae Variant Classification Sherloc (09022015). Collection method: clinical testing. Allele origin: germline.
Comment: This sequence change falls in intron 46 of the COL4A1 gene. It does not directly change the encoded amino acid sequence of the COL4A1 protein. It affects a nucleotide within the consensus splice site. This variant is present in population databases (rs545498227, gnomAD 0.02%). This variant has not been reported in the literature in individuals affected with COL4A1-related conditions. ClinVar contains an entry for this variant (Variation ID: 311027). Variants that disrupt the consensus splice site are a relatively common cause of aberrant splicing (PMID: 17576681, 9536098). Algorithms developed to predict the effect of sequence changes on RNA splicing suggest that this variant is not likely to affect RNA splicing. In summary, the available evidence is currently insufficient to determine the role of this variant in disease. Therefore, it has been classified as a Variant of Uncertain Significance.

Blueprint Genetics
Classification: Likely benign. Last evaluated: 2024-09-30. Review status: criteria provided, single submitter. Criteria: ACMG Guidelines, 2015. Collection method: clinical testing. Allele origin: germline.

CeGaT Center for Human Genetics Tuebingen
Classification: Likely benign. Last evaluated: 2023-06-01. Review status: criteria provided, single submitter. Criteria: CeGaT Center For Human Genetics Tuebingen Variant Classification Criteria Version 2. Collection method: clinical testing. Allele origin: germline. Affected: yes. Observed: 3 variant alleles.
Comment: COL4A1: BP4, BS1

Illumina Laboratory Services, Illumina
Classification: Benign for Autosomal dominant familial hematuria-retinal arteriolar tortuosity-contractures syndrome. Last evaluated: 2018-01-13. Review status: criteria provided, single submitter. Criteria: ICSL Variant Classification Criteria 13 December 2019. Collection method: clinical testing. Allele origin: germline.
Comment: This variant was observed in the ICSL laboratory as part of a predisposition screen in an ostensibly healthy population. It had not been previously curated by ICSL or reported in the Human Gene Mutation Database (HGMD: prior to June 1st, 2018), and was therefore a candidate for classification through an automated scoring system. Utilizing variant allele frequency, disease prevalence and penetrance estimates, and inheritance mode, an automated score was calculated to assess if this variant is too frequent to cause the disease. Based on the score and internal cut-off values, a variant classified as benign is not then subjected to further curation. The score for this variant resulted in a classification of benign for this disease.

Illumina Laboratory Services, Illumina
Classification: Benign for Brain small vessel disease 1 with or without ocular anomalies. Last evaluated: 2018-01-13. Review status: criteria provided, single submitter. Criteria: ICSL Variant Classification Criteria 13 December 2019. Collection method: clinical testing. Allele origin: germline.
Comment: the same text as in the submission from Illumina Laboratory Services, Illumina above.

Literature cited by the submitters: PubMed 17576681 (cited by Labcorp Genetics (formerly Invitae), Labcorp); PubMed 9536098 (cited by Labcorp Genetics (formerly Invitae), Labcorp).